The following is an entry in ClinVar:

GRCh37/hg19 17q11.2(chr17:29082334-30267190)x3

Genes: ADAP2 (ArfGAP with dual PH domains 2; plus strand), ATAD5 (ATPase family AAA domain containing 5; plus strand), COPRS (coordinator of PRMT5 and differentiation stimulator; minus strand), CRLF3 (cytokine receptor like factor 3; minus strand), EVI2A (ecotropic viral integration site 2A; minus strand) and 9 more. Cytogenetic location: 17q11.2.
Variant type: copy number gain.
Change: copy number 3 (three copies instead of two) of chr17:29,082,334-30,267,190 (1.18 Mb, GRCh37 coordinates, 1-based), cytogenetic band 17q11.2.
Identifiers: ClinVar variation 4682910 (VCV004682910.1).

ClinVar aggregate classification (germline): Likely pathogenic (1 of 4 stars; one submission).

Submission:

Quest Diagnostics Nichols Institute San Juan Capistrano
Classification: Likely pathogenic. Last evaluated: 2024-10-14. Review status: criteria provided, single submitter. Criteria: ACMG/ClinGen CNV Guidelines, 2019. Collection method: clinical testing. Allele origin: unknown.
Comment: This duplication involves at least 13 protein-coding genes, including NF1 (OMIM 613113). Copy number gains of 17q11.2 (ISCA-37431) that include NF1 have been reported in association with chromosome 17q11.2 duplication syndrome, also known as NF1 microduplication syndrome (OMIM 618874). Enrichment has been observed in cases, compared to unaffected controls (Coe 2014). However, the presence of unaffected carriers in multiple families indicate reduced penetrance and variable expressivity (Chen 2024, Kehrer-Sawatzki 2014, Moles 2012). There are no similar copy number gains of this region in the general populations of the Database of Genomic Variants. Thus, this copy number variant (CNV) is classified as likely pathogenic, with reduced penetrance and variable expressivity. References: Chen et al., Taiwan J Obstet Gynecol. 2024 May;63(3):426-427. PMID: 38802214 Coe et al., Nat Genet. 2014 Oct;46(10):1063-71. PMID: 25217958 Kehrer-Sawatzki et al., Hum Mutat. 2014 Dec;35(12):469-75. PMID: 25205021 Moles et al., Genet Med. 2012 May;14(5):508-14. PMID: 22241097